The following is an entry in ClinVar:

NM_001040108.2(MLH3):c.214C>T (p.Arg72Cys)

Gene: MLH3 (mutL homolog 3; minus strand). Cytogenetic location: 14q24.3.
Variant type: single nucleotide variant.
Coding change: c.214C>T on transcript NM_001040108.2 (MANE Select); coding-DNA position 214, C replaced by T.
Protein change: p.Arg72Cys; replaces arginine 72 with cysteine.
Molecular consequence: missense variant.
Genome position (GRCh38, 1-based): chr14:75,049,442, G>A on the plus strand (C>T on the coding strand, the complement: MLH3 is on the minus strand). VCF-style: chr14-75049442-G-A. GRCh37 (hg19) VCF-style: chr14-75516145-G-A.
Other names: c.214C>T, p.Arg72Cys (NM_014381.3); short protein forms R72C.
Identifiers: ClinVar variation 1786714 (VCV001786714.3), dbSNP rs370545907, ClinGen allele CA7276073.

ClinVar aggregate classification (germline): Uncertain significance (1 of 4 stars; one submission).

Allele frequency attached by ClinVar (database versions not stated): gnomAD 0.00004; ESP Exome Variant Server 0.00008; ExAC 0.00001; TOPMed 0.00007.
gnomAD v4.1: 8 of 1,613,860 alleles (0.0005%); highest among the groups gnomAD compares: African/African-American, 0.0067%; no homozygotes.

Submission:

Ambry Genetics
Classification: Uncertain significance. Last evaluated: 2025-11-08. Review status: criteria provided, single submitter. Criteria: Ambry Variant Classification Scheme 2023. Collection method: clinical testing. Allele origin: germline.
Comment: The p.R72C variant (also known as c.214C>T), located in coding exon 1 of the MLH3 gene, results from a C to T substitution at nucleotide position 214. The arginine at codon 72 is replaced by cysteine, an amino acid with highly dissimilar properties. This amino acid position is conserved. In addition, this alteration is predicted to be deleterious by in silico analysis. Since supporting evidence is limited at this time, the clinical significance of this alteration remains unclear.